The following is an entry in ClinVar:

NM_002029.4(FPR1):c.665G>A (p.Gly222Glu)

Gene: FPR1 (formyl peptide receptor 1; minus strand). Cytogenetic location: 19q13.41.
Variant type: single nucleotide variant.
Coding change: c.665G>A on transcript NM_002029.4 (MANE Select); coding-DNA position 665, G replaced by A.
Protein change: p.Gly222Glu; replaces glycine 222 with glutamic acid.
Molecular consequence: missense variant.
Genome position (GRCh38, 1-based): chr19:51,746,330, C>T on the plus strand (G>A on the coding strand, the complement: FPR1 is on the minus strand). VCF-style: chr19-51746330-C-T. GRCh37 (hg19) VCF-style: chr19-52249583-C-T.
Other names: c.665G>A, p.Gly222Glu (NM_001193306.2); short protein forms G222E.
Identifiers: ClinVar variation 3620992 (VCV003620992.2).

ClinVar aggregate classification (germline): Uncertain significance (1 of 4 stars; one submission).

Conditions:
Gingival disorder. Also called: Gingival disease. Identifiers: MedGen C0017563, MONDO:0002021.

gnomAD v4.1: 3 of 1,611,842 alleles (0.00019%); highest among the groups gnomAD compares: African/African-American, 0.0013%; no homozygotes.

Submission:

Labcorp Genetics (formerly Invitae), Labcorp
Classification: Uncertain significance for Gingival disorder. Last evaluated: 2024-05-17. Review status: criteria provided, single submitter. Criteria: Invitae Variant Classification Sherloc (09022015). Collection method: clinical testing. Allele origin: germline.
Comment: This sequence change replaces glycine, which is neutral and non-polar, with glutamic acid, which is acidic and polar, at codon 222 of the FPR1 protein (p.Gly222Glu). This variant is not present in population databases (gnomAD no frequency). This variant has not been reported in the literature in individuals affected with FPR1-related conditions. An algorithm developed to predict the effect of missense changes on protein structure and function (PolyPhen-2) suggests that this variant is likely to be disruptive. In summary, the available evidence is currently insufficient to determine the role of this variant in disease. Therefore, it has been classified as a Variant of Uncertain Significance.